The following is an entry in ClinVar:

NM_000742.4(CHRNA2):c.294+6C>T

Gene: CHRNA2 (cholinergic receptor nicotinic alpha 2 subunit; minus strand). Cytogenetic location: 8p21.2.
Variant type: single nucleotide variant.
Coding change: c.294+6C>T on transcript NM_000742.4 (MANE Select); 6 bases into the intron after coding-DNA position 294, C replaced by T.
Molecular consequence: intron variant.
Genome position (GRCh38, 1-based): chr8:27,469,755, G>A on the plus strand (C>T on the coding strand, the complement: CHRNA2 is on the minus strand). VCF-style: chr8-27469755-G-A. GRCh37 (hg19) VCF-style: chr8-27327272-G-A.
Other names: c.-179+51C>T (NM_001347705.2); c.249+51C>T (NM_001282455.2); c.-168+6C>T (NM_001347708.2); c.-179+6C>T (NM_001347706.2); c.-165+51C>T (NM_001347707.2).
Identifiers: ClinVar variation 3729314 (VCV003729314.2).

ClinVar aggregate classification (germline): Uncertain significance (1 of 4 stars; one submission).

Conditions:
Familial sleep-related hypermotor epilepsy. Also called: Autosomal Dominant Sleep-Related Hypermotor (Hyperkinetic) Epilepsy. Identifiers: Orphanet 98784, MedGen C3696898, MONDO:0000030.

gnomAD v4.1: 4 of 1,614,142 alleles (0.00025%); highest among the groups gnomAD compares: Non-Finnish European, 0.00034%; no homozygotes.

Submission:

Labcorp Genetics (formerly Invitae), Labcorp
Classification: Uncertain significance. Last evaluated: 2025-01-28. Review status: criteria provided, single submitter. Criteria: Invitae Variant Classification Sherloc (09022015). Collection method: clinical testing. Allele origin: germline.
Comment: This sequence change falls in intron 3 of the CHRNA2 gene. It does not directly change the encoded amino acid sequence of the CHRNA2 protein. It affects a nucleotide within the consensus splice site. This variant is not present in population databases (gnomAD no frequency). This variant has not been reported in the literature in individuals affected with CHRNA2-related conditions. Variants that disrupt the consensus splice site are a relatively common cause of aberrant splicing (PMID: 17576681, 9536098). Algorithms developed to predict the effect of sequence changes on RNA splicing suggest that this variant is not likely to affect RNA splicing. In summary, the available evidence is currently insufficient to determine the role of this variant in disease. Therefore, it has been classified as a Variant of Uncertain Significance.

Literature cited by the submitters: PubMed 17576681; PubMed 9536098.